The following is an entry in ClinVar:

NM_004937.3(CTNS):c.191C>G (p.Ser64Cys)

Gene: CTNS (cystinosin, lysosomal cystine transporter; plus strand). Cytogenetic location: 17p13.2.
Variant type: single nucleotide variant.
Coding change: c.191C>G on transcript NM_004937.3 (MANE Select); coding-DNA position 191, C replaced by G.
Protein change: p.Ser64Cys; replaces serine 64 with cysteine.
Molecular consequence: missense variant. On other transcripts: 5 prime UTR variant (1), intron variant (3).
Genome position (GRCh38, 1-based): chr17:3,648,897, C>G. VCF-style: chr17-3648897-C-G. GRCh37 (hg19) VCF-style: chr17-3552191-C-G.
Other names: c.191C>G, p.Ser64Cys (NM_001031681.3, NM_001374492.1); c.-251C>G (NM_001374494.1); c.-217+1375C>G (NM_001374493.1, NM_001374496.1); c.-216-6101C>G (NM_001374495.1); short protein forms S64C.
Identifiers: ClinVar variation 1390562 (VCV001390562.8), dbSNP rs1454743016, ClinGen allele CA397688063.

ClinVar aggregate classification (germline): Uncertain significance (1 of 4 stars; one submission).

Conditions:
Inborn genetic diseases. Identifiers: MedGen C0950123, MeSH D030342.
Ocular cystinosis. Also called: Non-Nephropathic Cystinosis; Non-Nephropathic (Ocular) Cystinosis. Identifiers: Orphanet 213, Orphanet 411641, MedGen C2931013, MONDO:0009064, OMIM 219750.
Juvenile nephropathic cystinosis. Also called: Intermediate Cystinosis; CYSTINOSIS, LATE-ONSET JUVENILE OR ADOLESCENT NEPHROPATHIC TYPE; Later-Onset (Juvenile) Cystinosis. Identifiers: Orphanet 213, Orphanet 411634, MedGen C0268626, MONDO:0009066, OMIM 219900.

Submission:

Labcorp Genetics (formerly Invitae), Labcorp
Classification: Uncertain significance for Inborn genetic diseases; Ocular cystinosis; Juvenile nephropathic cystinosis. Last evaluated: 2023-12-11. Review status: criteria provided, single submitter. Criteria: Invitae Variant Classification Sherloc (09022015). Collection method: clinical testing. Allele origin: germline.
Comment: This sequence change replaces serine, which is neutral and polar, with cysteine, which is neutral and slightly polar, at codon 64 of the CTNS protein (p.Ser64Cys). This variant is not present in population databases (gnomAD no frequency). This variant has not been reported in the literature in individuals affected with CTNS-related conditions. ClinVar contains an entry for this variant (Variation ID: 1390562). Advanced modeling of protein sequence and biophysical properties (such as structural, functional, and spatial information, amino acid conservation, physicochemical variation, residue mobility, and thermodynamic stability) performed at Invitae indicates that this missense variant is not expected to disrupt CTNS protein function with a negative predictive value of 80%. In summary, the available evidence is currently insufficient to determine the role of this variant in disease. Therefore, it has been classified as a Variant of Uncertain Significance.